The following is an entry in ClinVar:

NM_053281.3(DACH2):c.213C>T (p.Val71=)

Gene: DACH2 (dachshund family transcription factor 2; plus strand). Cytogenetic location: Xq21.2.
Variant type: single nucleotide variant.
Coding change: c.213C>T on transcript NM_053281.3 (MANE Select); coding-DNA position 213, C replaced by T.
Protein change: p.Val71=; no amino-acid change (valine 71 retained).
Molecular consequence: synonymous variant.
Genome position (GRCh38, 1-based): chrX:86,148,833, C>T. VCF-style: chrX-86148833-C-T. GRCh37 (hg19) VCF-style: chrX-85403837-C-T.
Other names: c.213C>T, p.Val71= (NM_001139514.1).
Identifiers: ClinVar variation 2661007 (VCV002661007.24), dbSNP rs199943928, ClinGen allele CA10465738.

ClinVar aggregate classification (germline): Likely benign (1 of 4 stars; one submission).

Allele frequency attached by ClinVar (database versions not stated): TOPMed 0.00001; gnomAD 0.00002; ExAC 0.00003; 1000 Genomes Project 30x 0.00021; 1000 Genomes Project 0.00026.
gnomAD v4.1: 24 of 1,209,549 alleles (0.002%); highest among the groups gnomAD compares: East Asian, 0.053%; no homozygotes.

Submission:

CeGaT Center for Human Genetics Tuebingen
Classification: Likely benign. Last evaluated: 2023-03-01. Review status: criteria provided, single submitter. Criteria: CeGaT Center For Human Genetics Tuebingen Variant Classification Criteria Version 2. Collection method: clinical testing. Allele origin: germline. Affected: yes. Observed: 1 variant allele.
Comment: DACH2: BP4, BP7, BS2